The following is an entry in ClinVar:

ClinVar aggregate classification (germline): Uncertain significance. Review status: criteria provided, multiple submitters, no conflicts (2 of 4 stars). 3 submissions from 3 submitters: Uncertain significance (3). Last evaluated 2026-06-24.

Conditions:
Cardiovascular phenotype. Identifiers: MedGen CN230736.
Osteogenesis imperfecta type I (OI1). Also called: OI, TYPE I; OSTEOGENESIS IMPERFECTA TARDA; OSTEOGENESIS IMPERFECTA WITH BLUE SCLERAE; Classic Non-deforming Osteogenesis Imperfecta with Blue Sclerae; Osteogenesis imperfecta type 1; Lobstein's Disease. Identifiers: Orphanet 216796, Orphanet 666, MedGen C0023931, MONDO:0008146, OMIM 166200. Disease mechanism: loss of function.

gnomAD v4.1: 4 of 1,611,168 alleles (0.00025%); highest among the groups gnomAD compares: Non-Finnish European, 0.00034%; no homozygotes.

Submissions (3):

Ambry Genetics
Classification: Uncertain significance for Cardiovascular phenotype. Last evaluated: 2026-06-24. Review status: criteria provided, single submitter. Criteria: Ambry Variant Classification Scheme 2023. Collection method: clinical testing. Allele origin: germline.
Comment: The c.2343+5G>A intronic variant results from a G to A substitution 5 nucleotides after coding exon 33 in the COL1A1 gene. This nucleotide position is well conserved in available vertebrate species. In silico splice site analysis predicts that this alteration will not have any significant effect on splicing. Based on the available evidence, the clinical significance of this variant remains unclear.

Labcorp Genetics (formerly Invitae), Labcorp
Classification: Uncertain significance for Osteogenesis imperfecta type I. Last evaluated: 2025-08-21. Review status: criteria provided, single submitter. Criteria: Invitae Variant Classification Sherloc (09022015). Collection method: clinical testing. Allele origin: germline.
Comment: This sequence change falls in intron 33 of the COL1A1 gene. It does not directly change the encoded amino acid sequence of the COL1A1 protein. It affects a nucleotide within the consensus splice site. This variant is present in population databases (rs757870401, gnomAD 0.0009%). This variant has not been reported in the literature in individuals affected with COL1A1-related conditions. Variants that disrupt the consensus splice site are a relatively common cause of aberrant splicing (PMID: 17576681, 9536098). Algorithms developed to predict the effect of sequence changes on RNA splicing suggest that this variant is not likely to affect RNA splicing. In summary, the available evidence is currently insufficient to determine the role of this variant in disease. Therefore, it has been classified as a Variant of Uncertain Significance.

Blueprint Genetics
Classification: Uncertain significance. Last evaluated: 2023-06-08. Review status: criteria provided, single submitter. Criteria: ACMG Guidelines, 2015. Collection method: clinical testing. Allele origin: germline.

Literature cited by the submitters: PubMed 17576681 (cited by Labcorp Genetics (formerly Invitae), Labcorp); PubMed 9536098 (cited by Labcorp Genetics (formerly Invitae), Labcorp).

NM_000088.4(COL1A1):c.2343+5G>A

Gene: COL1A1 (collagen type I alpha 1 chain; minus strand). Cytogenetic location: 17q21.33.
Variant type: single nucleotide variant.
Coding change: c.2343+5G>A on transcript NM_000088.4 (MANE Select); 5 bases into the intron after coding-DNA position 2343, G replaced by A.
Molecular consequence: intron variant.
Genome position (GRCh38, 1-based): chr17:50,190,812, C>T on the plus strand (G>A on the coding strand, the complement: COL1A1 is on the minus strand). VCF-style: chr17-50190812-C-T. GRCh37 (hg19) VCF-style: chr17-48268173-C-T.
Other names: c.2343+5G>A (NM_000088.3).
Identifiers: ClinVar variation 4728056 (VCV004728056.3).